The following is an entry in ClinVar:

NM_172369.5(C1QC):c.364T>C (p.Phe122Leu)

Gene: C1QC (complement C1q C chain; plus strand). Cytogenetic location: 1p36.12.
Variant type: single nucleotide variant.
Coding change: c.364T>C on transcript NM_172369.5 (MANE Select); coding-DNA position 364, T replaced by C.
Protein change: p.Phe122Leu; replaces phenylalanine 122 with leucine.
Molecular consequence: missense variant.
Genome position (GRCh38, 1-based): chr1:22,647,409, T>C. VCF-style: chr1-22647409-T-C. GRCh37 (hg19) VCF-style: chr1-22973902-T-C.
Other names: c.364T>C, p.Phe122Leu (NM_001114101.3, NM_001347619.2); c.97T>C, p.Phe33Leu (NM_001347620.2); short protein forms F33L, F122L.
Identifiers: ClinVar variation 2861475 (VCV002861475.3), dbSNP rs2522225203, ClinGen allele CA338936491.

ClinVar aggregate classification (germline): Uncertain significance (1 of 4 stars; one submission).

Submission:

Labcorp Genetics (formerly Invitae), Labcorp
Classification: Uncertain significance. Last evaluated: 2023-05-09. Review status: criteria provided, single submitter. Criteria: Invitae Variant Classification Sherloc (09022015). Collection method: clinical testing. Allele origin: germline.
Comment: In summary, the available evidence is currently insufficient to determine the role of this variant in disease. Therefore, it has been classified as a Variant of Uncertain Significance. An algorithm developed to predict the effect of missense changes on protein structure and function (PolyPhen-2) suggests that this variant is likely to be disruptive. This variant has not been reported in the literature in individuals affected with C1QC-related conditions. This sequence change replaces phenylalanine, which is neutral and non-polar, with leucine, which is neutral and non-polar, at codon 122 of the C1QC protein (p.Phe122Leu). This variant is not present in population databases (gnomAD no frequency).